The following is an entry in ClinVar:

ClinVar aggregate classification (germline): Uncertain significance (1 of 4 stars; one submission).

Allele frequency attached by ClinVar (database versions not stated): gnomAD 0.00001; TOPMed 0.00002; ExAC 0.00003.
gnomAD v4.1: 62 of 1,593,352 alleles (0.0039%); highest among the groups gnomAD compares: East Asian, 0.0045%; 1 homozygote.

Submission:

Labcorp Genetics (formerly Invitae), Labcorp
Classification: Uncertain significance. Last evaluated: 2025-11-23. Review status: criteria provided, single submitter. Criteria: Invitae Variant Classification Sherloc (09022015). Collection method: clinical testing. Allele origin: germline.
Comment: This sequence change replaces arginine, which is basic and polar, with histidine, which is basic and polar, at codon 326 of the LZTS1 protein (p.Arg326His). This variant is present in population databases (rs200864732, gnomAD 0.01%). This variant has not been reported in the literature in individuals affected with LZTS1-related conditions. ClinVar contains an entry for this variant (Variation ID: 2179009). Invitae Evidence Modeling of protein sequence and biophysical properties (such as structural, functional, and spatial information, amino acid conservation, physicochemical variation, residue mobility, and thermodynamic stability) indicates that this missense variant is not expected to disrupt LZTS1 protein function with a negative predictive value of 80%. In summary, the available evidence is currently insufficient to determine the role of this variant in disease. Therefore, it has been classified as a Variant of Uncertain Significance.

NM_021020.5(LZTS1):c.977G>A (p.Arg326His)

Gene: LZTS1 (leucine zipper tumor suppressor 1; minus strand). Cytogenetic location: 8p21.3.
Variant type: single nucleotide variant.
Coding change: c.977G>A on transcript NM_021020.5 (MANE Select); coding-DNA position 977, G replaced by A.
Protein change: p.Arg326His; replaces arginine 326 with histidine.
Molecular consequence: missense variant.
Genome position (GRCh38, 1-based): chr8:20,252,954, C>T on the plus strand (G>A on the coding strand, the complement: LZTS1 is on the minus strand). VCF-style: chr8-20252954-C-T. GRCh37 (hg19) VCF-style: chr8-20110465-C-T.
Other names: c.977G>A, p.Arg326His (NM_001362884.2); short protein forms R326H.
Identifiers: ClinVar variation 2179009 (VCV002179009.4), dbSNP rs200864732, ClinGen allele CA4657394.